The following is an entry in ClinVar:

NM_007317.3(KIF22):c.31del (p.Arg11fs)

Gene: KIF22 (kinesin family member 22; plus strand). Cytogenetic location: 16p11.2.
Variant type: Deletion.
Coding change: c.31del on transcript NM_007317.3 (MANE Select); coding-DNA position 31, one base deleted (C; older notation c.31delC).
Protein change: p.Arg11fs; shifts the reading frame from arginine 11.
Molecular consequence: frameshift variant. On other transcripts: 5 prime UTR variant (1).
Genome position (GRCh38, 1-based): chr16:29,790,790, C deleted. VCF-style (leftmost placement, unchanged base first): chr16-29790789-GC-G. GRCh37 (hg19) VCF-style: chr16-29802110-GC-G.
Other names: c.-223del (NM_001256269.2); short protein forms R11fs.
Identifiers: ClinVar variation 3648011 (VCV003648011.2).

ClinVar aggregate classification (germline): Uncertain significance (1 of 4 stars; one submission).

Submission:

Labcorp Genetics (formerly Invitae), Labcorp
Classification: Uncertain significance. Last evaluated: 2024-12-18. Review status: criteria provided, single submitter. Criteria: Invitae Variant Classification Sherloc (09022015). Collection method: clinical testing. Allele origin: germline.
Comment: This sequence change creates a premature translational stop signal (p.Arg11Aspfs*20) in the KIF22 gene. It is expected to result in an absent or disrupted protein product. However, the current clinical and genetic evidence is not sufficient to establish whether loss-of-function variants in KIF22 cause disease. This variant is present in population databases (rs772939403, gnomAD 0.005%). This variant has not been reported in the literature in individuals affected with KIF22-related conditions. In summary, the available evidence is currently insufficient to determine the role of this variant in disease. Therefore, it has been classified as a Variant of Uncertain Significance.